The following is an entry in ClinVar:

ClinVar aggregate classification (germline): Pathogenic. Review status: criteria provided, single submitter (1 of 4 stars). 2 submissions from 2 submitters: Pathogenic (1). 1 of the submissions does not count toward it. Last evaluated 2017-09-01.

Conditions:
Microcephaly-capillary malformation syndrome (MICCAP). Identifiers: Orphanet 294016, MedGen C3280296, MONDO:0013659, OMIM 614261.

Allele frequency attached by ClinVar (database versions not stated): ExAC 0.00001; gnomAD exomes 0.00001 and 0.00002; TOPMed 0.00001; gnomAD 0.00002.
gnomAD v4.1: 25 of 1,613,880 alleles (0.0015%); highest among the groups gnomAD compares: Non-Finnish European, 0.0021%; no homozygotes.

Submissions (2):

Baylor Genetics
Classification: Pathogenic for Microcephaly-capillary malformation syndrome. Last evaluated: 2017-09-01. Review status: criteria provided, single submitter. Criteria: ACMG Guidelines, 2015. Collection method: clinical testing. Allele origin: paternal. Inheritance: Autosomal recessive inheritance. Affected: yes.

OMIM
Classification: Pathogenic for MICROCEPHALY-CAPILLARY MALFORMATION SYNDROME. Last evaluated: 2013-05-01. Review status: no assertion criteria provided. Collection method: literature only. Allele origin: germline. Not counted in ClinVar's aggregate classification.

Literature cited by the submitters: PubMed 23542699 (cited by Baylor Genetics and OMIM); PubMed 25326635 (cited by Baylor Genetics).

NM_213622.4(STAMBP):c.299T>A (p.Phe100Tyr)

Gene: STAMBP (STAM binding protein; plus strand). Cytogenetic location: 2p13.1.
Variant type: single nucleotide variant.
Coding change: c.299T>A on transcript NM_213622.4 (MANE Select); coding-DNA position 299, T replaced by A.
Protein change: p.Phe100Tyr; replaces phenylalanine 100 with tyrosine.
Molecular consequence: missense variant. On other transcripts: 5 prime UTR variant (6), non-coding transcript variant (4).
Genome position (GRCh38, 1-based): chr2:73,845,186, T>A. VCF-style: chr2-73845186-T-A. GRCh37 (hg19) VCF-style: chr2-74072313-T-A.
Other names: c.299T>A, p.Phe100Tyr (NM_001353967.2, NM_001353968.2, NM_001353969.2 and 3 more transcripts); c.-107T>A (NM_001353971.2, NM_001353972.2, NM_001353973.2 and 3 more transcripts); short protein forms F100Y.
Identifiers: ClinVar variation 50796 (VCV000050796.3), dbSNP rs397514697, ClinGen allele CA263233.